The following is an entry in ClinVar:

ClinVar aggregate classification (germline): Benign/Likely benign. Review status: criteria provided, multiple submitters, no conflicts (2 of 4 stars). 8 submissions from 6 submitters: Benign (6); Likely benign (2). Last evaluated 2026-02-02.

Conditions:
Cockayne syndrome type 2 (CSB). Also called: Cockayne Syndrome, Type II; COCKAYNE SYNDROME B. Identifiers: Orphanet 191, Orphanet 90322, MedGen C0751038, MONDO:0019570, OMIM 133540.
Cerebrooculofacioskeletal syndrome 1 (COFS1). Also called: Cerebro-oculo-facio-skeletal syndrome 1. Identifiers: MedGen C0220722, MONDO:0008955, OMIM 214150.
Age related macular degeneration 5. Identifiers: MedGen C3151063, MONDO:0013409, OMIM 613761.

Allele frequency attached by ClinVar (database versions not stated): gnomAD exomes 0.00157 and 0.00395; ExAC 0.00520; gnomAD 0.01476 and 0.01573; ESP Exome Variant Server 0.01684; TOPMed 0.01705; 1000 Genomes Project 0.01957; 1000 Genomes Project 30x 0.02092.
gnomAD v4.1: 4,658 of 1,613,828 alleles (0.29%); highest among the groups gnomAD compares: African/African-American, 5.1%; 88 homozygotes.

Submissions (8):

Labcorp Genetics (formerly Invitae), Labcorp
Classification: Benign. Last evaluated: 2026-02-02. Review status: criteria provided, single submitter. Criteria: Invitae Variant Classification Sherloc (09022015). Collection method: clinical testing. Allele origin: germline.

Women's Health and Genetics/Laboratory Corporation of America, LabCorp
Classification: Likely benign. Last evaluated: 2021-12-10. Review status: criteria provided, single submitter. Criteria: LabCorp Variant Classification Summary - May 2015. Collection method: clinical testing. Allele origin: germline.

GeneDx
Classification: Benign. Last evaluated: 2018-11-11. Review status: criteria provided, single submitter. Criteria: GeneDx Variant Classification Process June 2021. Collection method: clinical testing. Allele origin: germline. Affected: yes.
Comment: This variant is associated with the following publications: (PMID: 21085059)

Illumina Laboratory Services, Illumina
Classification: Benign for Age related macular degeneration 5. Last evaluated: 2018-01-12. Review status: criteria provided, single submitter. Criteria: ICSL Variant Classification Criteria 13 December 2019. Collection method: clinical testing. Allele origin: germline.
Comment: This variant was observed in the ICSL laboratory as part of a predisposition screen in an ostensibly healthy population. It had not been previously curated by ICSL or reported in the Human Gene Mutation Database (HGMD: prior to June 1st, 2018), and was therefore a candidate for classification through an automated scoring system. Utilizing variant allele frequency, disease prevalence and penetrance estimates, and inheritance mode, an automated score was calculated to assess if this variant is too frequent to cause the disease. Based on the score and internal cut-off values, a variant classified as benign is not then subjected to further curation. The score for this variant resulted in a classification of benign for this disease.

Illumina Laboratory Services, Illumina
Classification: Benign for Cockayne syndrome type 2. Last evaluated: 2018-01-12. Review status: criteria provided, single submitter. Criteria: ICSL Variant Classification Criteria 13 December 2019. Collection method: clinical testing. Allele origin: germline.
Comment: the same text as in the submission from Illumina Laboratory Services, Illumina above.

Illumina Laboratory Services, Illumina
Classification: Benign for Cerebrooculofacioskeletal syndrome 1. Last evaluated: 2018-01-12. Review status: criteria provided, single submitter. Criteria: ICSL Variant Classification Criteria 13 December 2019. Collection method: clinical testing. Allele origin: germline.
Comment: the same text as in the submission from Illumina Laboratory Services, Illumina above.

Breakthrough Genomics
Classification: Likely benign. Review status: criteria provided, single submitter. Criteria: ACMG Guidelines, 2015. Collection method: not provided. Allele origin: germline. Inheritance: Autosomal recessive inheritance. Affected: yes.

PreventionGenetics, part of Exact Sciences
Classification: Benign. Review status: criteria provided, single submitter. Criteria: ACMG Guidelines, 2015. Collection method: clinical testing. Allele origin: germline.

NM_000124.4(ERCC6):c.2825C>T (p.Thr942Met)

Genes: ERCC6 (ERCC excision repair 6, chromatin remodeling factor; minus strand), LOC126860933 (BRD4-independent group 4 enhancer GRCh37_chr10:50679962-50681161; plus strand). Cytogenetic location: 10q11.23.
Variant type: single nucleotide variant.
Coding change: c.2825C>T on transcript NM_000124.4 (MANE Select); coding-DNA position 2825, C replaced by T.
Protein change: p.Thr942Met; replaces threonine 942 with methionine.
Molecular consequence: missense variant.
Genome position (GRCh38, 1-based): chr10:49,472,913, G>A on the plus strand (C>T on the coding strand, the complement: ERCC6 is on the minus strand). VCF-style: chr10-49472913-G-A. GRCh37 (hg19) VCF-style: chr10-50680959-G-A.
Other names: c.2825C>T, p.Thr942Met (NM_001346440.2); short protein forms T942M.
Identifiers: ClinVar variation 255165 (VCV000255165.18), dbSNP rs2228525, ClinGen allele CA5495526.
Genomic context (GRCh38, chr10:49,472,913, plus strand): 5'-ACCATGAAACTATATTTCTACTAATACATTCTTTTAAAAAAAAAATAAAAACAAACCTGC[G>A]TGTCCGTGCTTGGGTTCCAGTCTGGGTCATAGATGACAACTCTGTTTGCCCCCGTCAGGT-3'
Protein context (NP_000115.1, residues 932-952): YDPDWNPSTD[Thr942Met]QARERAWRIG